The following is an entry in ClinVar:

NM_000540.3(RYR1):c.8141_8142del (p.Tyr2714fs)

Gene: RYR1 (ryanodine receptor 1; plus strand). Cytogenetic location: 19q13.2.
Variant type: Deletion.
Coding change: c.8141_8142del on transcript NM_000540.3 (MANE Select); coding-DNA positions 8141 to 8142, 2 bases deleted (AT; older notation c.8141_8142delAT).
Protein change: p.Tyr2714fs; shifts the reading frame from tyrosine 2714.
Molecular consequence: frameshift variant.
Genome position (GRCh38, 1-based): chr19:38,504,821-38,504,822, AT deleted; deleting any 2 consecutive bases within chr19:38,504,820-38,504,822 gives the same sequence; the c. name uses the placement nearest the transcript's 3' end. VCF-style (leftmost placement, unchanged base first): chr19-38504819-CTA-C. GRCh37 (hg19) VCF-style: chr19-38995459-CTA-C.
Other names: c.8141_8142del, p.Tyr2714fs (NM_001042723.2); short protein forms Y2714fs.
Identifiers: ClinVar variation 3233236 (VCV003233236.2), dbSNP rs990931567.

ClinVar aggregate classification (germline): Pathogenic (1 of 4 stars; one submission).

Conditions:
Centronuclear myopathy (CNM). Also called: Centronuclear myopathy, congenital; Myotubular myopathy. Identifiers: Orphanet 595, MedGen C0175709, MONDO:0018947. Inheritance: All.

Submission:

Muscle and Diseases Team, Institut de Génétique et Biologie Moléculaire et Cellulaire
Classification: Pathogenic for Centronuclear myopathy. Last evaluated: 2024-03-01. Review status: criteria provided, single submitter. Criteria: ACMG Guidelines, 2015. Collection method: research. Allele origin: paternal. Affected: yes. Observed: 1 variant allele.
Comment: PVS1+PM2+PM3+PP1

Literature cited by the submitters: DOI 10.1186/s13073-024-01353-0; PubMed 23826317.